The following is an entry in ClinVar:

ClinVar aggregate classification (germline): Pathogenic (1 of 4 stars; one submission).

Submission:

Labcorp Genetics (formerly Invitae), Labcorp
Classification: Pathogenic. Last evaluated: 2025-01-28. Review status: criteria provided, single submitter. Criteria: Invitae Variant Classification Sherloc (09022015). Collection method: clinical testing. Allele origin: germline.
Comment: This sequence change creates a premature translational stop signal (p.Glu621*) in the ZNF341 gene. It is expected to result in an absent or disrupted protein product. Loss-of-function variants in ZNF341 are known to be pathogenic (PMID: 29907690, 29907691). This variant is not present in population databases (gnomAD no frequency). This variant has not been reported in the literature in individuals affected with ZNF341-related conditions. For these reasons, this variant has been classified as Pathogenic.

Literature cited by the submitters: PubMed 29907690; PubMed 29907691.

NM_001282933.2(ZNF341):c.1882G>T (p.Glu628Ter)

Genes: ZNF341 (zinc finger protein 341; plus strand), ZNF341-AS1 (ZNF341 antisense RNA 1; minus strand). Cytogenetic location: 20q11.22.
Variant type: single nucleotide variant.
Coding change: c.1882G>T on transcript NM_001282933.2 (MANE Select); coding-DNA position 1882, G replaced by T.
Protein change: p.Glu628Ter; replaces glutamic acid 628 with a stop codon.
Molecular consequence: nonsense. On other transcripts: non-coding transcript variant (1).
Genome position (GRCh38, 1-based): chr20:33,788,892, G>T. VCF-style: chr20-33788892-G-T. GRCh37 (hg19) VCF-style: chr20-32376698-G-T.
Other names: c.1612G>T, p.Glu538Ter (NM_001282935.2); c.1861G>T, p.Glu621Ter (NM_032819.5); short protein forms E538*, E621*, E628*.
Identifiers: ClinVar variation 4711942 (VCV004711942.1).